The following is an entry in ClinVar:

NM_006922.4(SCN3A):c.4576C>G (p.Gln1526Glu)

Gene: SCN3A (sodium voltage-gated channel alpha subunit 3; minus strand). Cytogenetic location: 2q24.3.
Variant type: single nucleotide variant.
Coding change: c.4576C>G on transcript NM_006922.4 (MANE Select); coding-DNA position 4576, C replaced by G.
Protein change: p.Gln1526Glu; replaces glutamine 1526 with glutamic acid.
Molecular consequence: missense variant.
Genome position (GRCh38, 1-based): chr2:165,092,485, G>C on the plus strand (C>G on the coding strand, the complement: SCN3A is on the minus strand). VCF-style: chr2-165092485-G-C. GRCh37 (hg19) VCF-style: chr2-165948995-G-C.
Other names: c.4429C>G, p.Gln1477Glu (NM_001081676.2, NM_001081677.2); c.4576C>G (NM_006922.3); short protein forms Q1477E, Q1526E.
Identifiers: ClinVar variation 1516954 (VCV001516954.9), dbSNP rs1553517563, ClinGen allele CA349019311.
Genomic context (GRCh38, chr2:165,092,485, plus strand): 5'-CCACCATCATGGTGACCATGTTGAGGCAGATGAGGATCATGATGCTGATATCAAAGACTT[G>C]TCTGGTTACAAAATCAAAGACCATTCCTTGGAATTTGTTCTAGAAAGTGAGAGAAGAGAA-3'
Protein context (NP_008853.3, residues 1516-1536): QGMVFDFVTR[Gln1526Glu]VFDISIMILI

ClinVar aggregate classification (germline): Uncertain significance. Review status: criteria provided, multiple submitters, no conflicts (2 of 4 stars). 2 submissions from 2 submitters: Uncertain significance (2). Last evaluated 2025-06-05.

Submissions (2):

GeneDx
Classification: Uncertain significance. Last evaluated: 2025-06-05. Review status: criteria provided, single submitter. Criteria: GeneDx Variant Classification Process June 2021. Collection method: clinical testing. Allele origin: germline. Affected: yes.
Comment: Not observed at significant frequency in large population cohorts (gnomAD); In silico analysis supports that this missense variant has a deleterious effect on protein structure/function; Has not been previously published as pathogenic or benign to our knowledge

Labcorp Genetics (formerly Invitae), Labcorp
Classification: Uncertain significance. Last evaluated: 2021-06-21. Review status: criteria provided, single submitter. Criteria: Invitae Variant Classification Sherloc (09022015). Collection method: clinical testing. Allele origin: germline.
Comment: In summary, the available evidence is currently insufficient to determine the role of this variant in disease. Therefore, it has been classified as a Variant of Uncertain Significance. Algorithms developed to predict the effect of missense changes on protein structure and function are either unavailable or do not agree on the potential impact of this missense change (SIFT: "Deleterious"; PolyPhen-2: "Probably Damaging"; Align-GVGD: "Class C0"). This variant has not been reported in the literature in individuals with SCN3A-related conditions. This variant is not present in population databases (ExAC no frequency). This sequence change replaces glutamine with glutamic acid at codon 1526 of the SCN3A protein (p.Gln1526Glu). The glutamine residue is moderately conserved and there is a small physicochemical difference between glutamine and glutamic acid.